The following is an entry in ClinVar:

ClinVar aggregate classification (germline): Likely benign. Review status: criteria provided, single submitter (1 of 4 stars). 2 submissions from 2 submitters: Likely benign (1). 1 of the submissions does not count toward it. Last evaluated 2025-12-29.

Conditions:
PIEZO1-related disorder. Also called: PIEZO1-Related Disorders; PIEZO1-related condition.

Allele frequency attached by ClinVar (database versions not stated): gnomAD 0.00007; ExAC 0.00011.
gnomAD v4.1: 157 of 1,549,606 alleles (0.01%); highest among the groups gnomAD compares: Admixed American, 0.031%; no homozygotes.

Submissions (2):

Labcorp Genetics (formerly Invitae), Labcorp
Classification: Likely benign. Last evaluated: 2025-12-29. Review status: criteria provided, single submitter. Criteria: Invitae Variant Classification Sherloc (09022015). Collection method: clinical testing. Allele origin: germline.

PreventionGenetics, part of Exact Sciences
Classification: Likely benign for PIEZO1-related condition. Last evaluated: 2021-01-21. Review status: no assertion criteria provided. Collection method: clinical testing. Allele origin: germline. Not counted in ClinVar's aggregate classification.
Comment: This variant is classified as likely benign based on ACMG/AMP sequence variant interpretation guidelines (Richards et al. 2015 PMID: 25741868, with internal and published modifications).

NM_001142864.4(PIEZO1):c.2895C>T (p.Ala965=)

Genes: HSALR1 (HSP90AB1 associated lncRNA 1; plus strand), PIEZO1 (piezo type mechanosensitive ion channel component 1 (Er blood group); minus strand). Cytogenetic location: 16q24.3.
Variant type: single nucleotide variant.
Coding change: c.2895C>T on transcript NM_001142864.4 (MANE Select); coding-DNA position 2895, C replaced by T.
Protein change: p.Ala965=; no amino-acid change (alanine 965 retained).
Molecular consequence: synonymous variant.
Genome position (GRCh38, 1-based): chr16:88,732,431, G>A on the plus strand (C>T on the coding strand, the complement: PIEZO1 is on the minus strand). VCF-style: chr16-88732431-G-A. GRCh37 (hg19) VCF-style: chr16-88798839-G-A.
Other names: c.1437C>T, p.Ala479= (NM_014745.1); c.2895C>T (NM_001142864.3).
Identifiers: ClinVar variation 2077565 (VCV002077565.6), dbSNP rs778612620, ClinGen allele CA8232677.